The following is an entry in ClinVar:

NM_001163435.3(TBCK):c.58C>T (p.Pro20Ser)

Gene: TBCK (TBC1 domain containing kinase; minus strand). Cytogenetic location: 4q24.
Variant type: single nucleotide variant.
Coding change: c.58C>T on transcript NM_001163435.3 (MANE Select); coding-DNA position 58, C replaced by T.
Protein change: p.Pro20Ser; replaces proline 20 with serine.
Molecular consequence: missense variant. On other transcripts: 5 prime UTR variant (1).
Genome position (GRCh38, 1-based): chr4:106,308,903, G>A on the plus strand (C>T on the coding strand, the complement: TBCK is on the minus strand). VCF-style: chr4-106308903-G-A. GRCh37 (hg19) VCF-style: chr4-107230060-G-A.
Other names: c.58C>T, p.Pro20Ser (NM_001163436.4, NM_001163437.3, NM_033115.5); c.-560C>T (NM_001290768.2); short protein forms P20S.
Identifiers: ClinVar variation 2005382 (VCV002005382.4), dbSNP rs1193957323, ClinGen allele CA357974168.

ClinVar aggregate classification (germline): Uncertain significance (1 of 4 stars; one submission).

Allele frequency attached by ClinVar (database versions not stated): gnomAD exomes below 0.00001.
gnomAD v4.1: 1 of 1,614,110 alleles (0.000062%); highest among the groups gnomAD compares: Admixed American, 0.0017%; no homozygotes.

Submission:

Labcorp Genetics (formerly Invitae), Labcorp
Classification: Uncertain significance. Last evaluated: 2025-11-10. Review status: criteria provided, single submitter. Criteria: Invitae Variant Classification Sherloc (09022015). Collection method: clinical testing. Allele origin: germline.
Comment: This sequence change replaces proline, which is neutral and non-polar, with serine, which is neutral and polar, at codon 20 of the TBCK protein (p.Pro20Ser). This variant is present in population databases (no rsID available, gnomAD 0.003%). This variant has not been reported in the literature in individuals affected with TBCK-related conditions. ClinVar contains an entry for this variant (Variation ID: 2005382). Invitae Evidence Modeling of protein sequence and biophysical properties (such as structural, functional, and spatial information, amino acid conservation, physicochemical variation, residue mobility, and thermodynamic stability) indicates that this missense variant is not expected to disrupt TBCK protein function with a negative predictive value of 80%. In summary, the available evidence is currently insufficient to determine the role of this variant in disease. Therefore, it has been classified as a Variant of Uncertain Significance.